The following is an entry in ClinVar:

ClinVar aggregate classification (germline): Uncertain significance (1 of 4 stars; one submission).

Conditions:
Inborn genetic diseases. Identifiers: MedGen C0950123, MeSH D030342.

Submission:

Ambry Genetics
Classification: Uncertain significance for Inborn genetic diseases. Last evaluated: 2024-05-17. Review status: criteria provided, single submitter. Criteria: Ambry Variant Classification Scheme 2023. Collection method: clinical testing. Allele origin: germline.
Comment: The p.E1110D variant (also known as c.3330G>T), located in coding exon 24 of the LRRK2 gene, results from a G to T substitution at nucleotide position 3330. The glutamic acid at codon 1110 is replaced by aspartic acid, an amino acid with highly similar properties. This amino acid position is conserved. In addition, the in silico prediction for this alteration is inconclusive. Based on the available evidence, the clinical significance of this variant remains unclear.

NM_198578.4(LRRK2):c.3330G>T (p.Glu1110Asp)

Gene: LRRK2 (leucine rich repeat kinase 2; plus strand). Cytogenetic location: 12q12.
Variant type: single nucleotide variant.
Coding change: c.3330G>T on transcript NM_198578.4 (MANE Select); coding-DNA position 3330, G replaced by T.
Protein change: p.Glu1110Asp; replaces glutamic acid 1110 with aspartic acid.
Molecular consequence: missense variant.
Genome position (GRCh38, 1-based): chr12:40,298,476, G>T. VCF-style: chr12-40298476-G-T. GRCh37 (hg19) VCF-style: chr12-40692278-G-T.
Other names: short protein forms E1110D.
Identifiers: ClinVar variation 3292016 (VCV003292016.1).
Genomic context (GRCh38, chr12:40,298,476, plus strand): 5'-GTCATATAACCAGCTGTCTTTTGTACCTGAGAACCTCACTGATGTGGTAGAGAAACTGGA[G>T]CAGCTCATTTTAGAAGGGTAAGAAAGAGCTCATTAAAAATAAAAGGGTTGCCTAAATATG-3'
Protein context (NP_940980.4, residues 1100-1120): ENLTDVVEKL[Glu1110Asp]QLILEGNKIS